The following is an entry in ClinVar:

NM_001127208.3(TET2):c.2509A>G (p.Asn837Asp)

Genes: TET2 (tet methylcytosine dioxygenase 2; plus strand), TET2-AS1 (TET2 antisense RNA 1; minus strand). Cytogenetic location: 4q24.
Variant type: single nucleotide variant.
Coding change: c.2509A>G on transcript NM_001127208.3 (MANE Select); coding-DNA position 2509, A replaced by G.
Protein change: p.Asn837Asp; replaces asparagine 837 with aspartic acid.
Molecular consequence: missense variant.
Genome position (GRCh38, 1-based): chr4:105,236,451, A>G. VCF-style: chr4-105236451-A-G. GRCh37 (hg19) VCF-style: chr4-106157608-A-G.
Other names: c.2509A>G, p.Asn837Asp (NM_017628.4); short protein forms N837D.
Identifiers: ClinVar variation 3967579 (VCV003967579.1).
Genomic context (GRCh38, chr4:105,236,451, plus strand): 5'-TCCCCTTATAGTCAGACCATGAAATCAAGTGCATGCAAAATACAGGTTTCTTGTTCAAAC[A>G]ATACACACCTAGTTTCAGAGAATAAAGAACAGACTACACATCCTGAACTTTTTGCAGGAA-3'
Protein context (NP_001120680.1, residues 827-847): ACKIQVSCSN[Asn837Asp]THLVSENKEQ

ClinVar aggregate classification (germline): Uncertain significance (1 of 4 stars; one submission).

Submission:

Ambry Genetics
Classification: Uncertain significance. Last evaluated: 2025-04-21. Review status: criteria provided, single submitter. Criteria: Ambry Variant Classification Scheme 2023. Collection method: clinical testing. Allele origin: germline.
Comment: The p.N837D variant (also known as c.2509A>G), located in coding exon 1 of the TET2 gene, results from an A to G substitution at nucleotide position 2509. The asparagine at codon 837 is replaced by aspartic acid, an amino acid with highly similar properties. This amino acid position is conserved. In addition, this alteration is predicted to be tolerated by in silico analysis. Based on the available evidence, the clinical significance of this variant remains unclear.